The following is an entry in ClinVar:

ClinVar aggregate classification (germline): Uncertain significance. Review status: criteria provided, multiple submitters, no conflicts (2 of 4 stars). 2 submissions from 2 submitters: Uncertain significance (2). Last evaluated 2024-01-02.

Conditions:
Inborn genetic diseases. Identifiers: MedGen C0950123, MeSH D030342.
Charcot-Marie-Tooth disease type 4. Also called: Charcot-Marie-Tooth disease, type IV; Charcot-Marie-Tooth, Type 4. Identifiers: Orphanet 64749, MedGen C4082197, MONDO:0018995.

Allele frequency attached by ClinVar (database versions not stated): ExAC 0.00001; gnomAD exomes 0.00001.
gnomAD v4.1: 21 of 1,614,068 alleles (0.0013%); highest among the groups gnomAD compares: Non-Finnish European, 0.0014%; no homozygotes.

Submissions (2):

Labcorp Genetics (formerly Invitae), Labcorp
Classification: Uncertain significance for Charcot-Marie-Tooth disease type 4. Last evaluated: 2024-01-02. Review status: criteria provided, single submitter. Criteria: Invitae Variant Classification Sherloc (09022015). Collection method: clinical testing. Allele origin: germline.
Comment: This sequence change replaces proline, which is neutral and non-polar, with leucine, which is neutral and non-polar, at codon 254 of the NDRG1 protein (p.Pro254Leu). This variant is present in population databases (rs774230641, gnomAD 0.0009%). This variant has not been reported in the literature in individuals affected with NDRG1-related conditions. ClinVar contains an entry for this variant (Variation ID: 2083282). Advanced modeling of protein sequence and biophysical properties (such as structural, functional, and spatial information, amino acid conservation, physicochemical variation, residue mobility, and thermodynamic stability) performed at Invitae indicates that this missense variant is expected to disrupt NDRG1 protein function with a positive predictive value of 80%. In summary, the available evidence is currently insufficient to determine the role of this variant in disease. Therefore, it has been classified as a Variant of Uncertain Significance.

Ambry Genetics
Classification: Uncertain significance for Inborn genetic diseases. Last evaluated: 2023-02-16. Review status: criteria provided, single submitter. Criteria: Ambry Variant Classification Scheme 2023. Collection method: clinical testing. Allele origin: germline.

NM_006096.4(NDRG1):c.761C>T (p.Pro254Leu)

Genes: NDRG1 (N-myc downstream regulated 1; minus strand), LOC126860531 (CDK7 strongly-dependent group 2 enhancer GRCh37_chr8:134259869-134261068; plus strand). Cytogenetic location: 8q24.22.
Variant type: single nucleotide variant.
Coding change: c.761C>T on transcript NM_006096.4 (MANE Select); coding-DNA position 761, C replaced by T.
Protein change: p.Pro254Leu; replaces proline 254 with leucine.
Molecular consequence: missense variant.
Genome position (GRCh38, 1-based): chr8:133,247,921, G>A on the plus strand (C>T on the coding strand, the complement: NDRG1 is on the minus strand). VCF-style: chr8-133247921-G-A. GRCh37 (hg19) VCF-style: chr8-134260164-G-A.
Other names: c.761C>T, p.Pro254Leu (NM_001135242.2, NM_001374845.1, NM_001374846.1); c.563C>T, p.Pro188Leu (NM_001258432.2, NM_001374847.1); c.518C>T, p.Pro173Leu (NM_001258433.2); c.812C>T, p.Pro271Leu (NM_001374844.1); short protein forms P188L, P254L, P173L, P271L.
Identifiers: ClinVar variation 2083282 (VCV002083282.5), dbSNP rs774230641, ClinGen allele CA4886591.
Genomic context (GRCh38, chr8:133,247,921, plus strand): 5'-TGATTTCTACATACCACGGCATCCACTGCAGGCGAGCTGTCCCCAACCACCAACAGAGCA[G>A]GGCACCTGGGGTCAGGGATAGAGCAGAGAATTAGCACAAGGTTCCTTTAAAGATTGTCCC-3'
Protein context (NP_006087.2, residues 244-264): PGTHTVTLQC[Pro254Leu]ALLVVGDSSP